The following is an entry in ClinVar:

NM_147127.5(EVC2):c.1680_1681del (p.Lys560fs)

Gene: EVC2 (EvC ciliary complex subunit 2; minus strand). Cytogenetic location: 4p16.2.
Variant type: Deletion.
Coding change: c.1680_1681del on transcript NM_147127.5 (MANE Select); coding-DNA positions 1680 to 1681, 2 bases deleted (AA; older notation c.1680_1681delAA).
Protein change: p.Lys560fs; shifts the reading frame from lysine 560.
Molecular consequence: frameshift variant.
Genome position (GRCh38, 1-based): chr4:5,631,822-5,631,823, TT deleted on the plus strand (AA on the coding strand, the reverse complement: EVC2 is on the minus strand); deleting any 2 consecutive bases within chr4:5,631,822-5,631,825 gives the same sequence; the c. name uses the placement nearest the transcript's 3' end. VCF-style (leftmost placement, unchanged base first): chr4-5631821-ATT-A. GRCh37 (hg19) VCF-style: chr4-5633548-ATT-A.
Other names: c.1440_1441del, p.Lys480fs (NM_001166136.2); short protein forms K480fs, K560fs.
Identifiers: ClinVar variation 1726446 (VCV001726446.2), dbSNP rs2475406567, ClinGen allele CA2580070762.

ClinVar aggregate classification (germline): Likely pathogenic (1 of 4 stars; one submission).

Conditions:
Ellis-van Creveld syndrome (EVC). Also called: EVC-Related Ellis-van Creveld Syndrome; EVC2-Related Ellis-van Creveld Syndrome; MESOECTODERMAL DYSPLASIA; Chondroectodermal dysplasia. Identifiers: Orphanet 289, MedGen C0013903, MONDO:0009162, OMIM 225500.

Submission:

Myriad Genetics, Inc.
Classification: Likely pathogenic for Ellis-van Creveld syndrome. Last evaluated: 2021-12-17. Review status: criteria provided, single submitter. Criteria: Myriad Women's Health Autosomal Recessive and X-Linked Classification Criteria (2021). Collection method: clinical testing. Allele origin: unknown.
Comment: NM_147127.4(EVC2):c.1680_1681delAA(K560Nfs*8) is expected to be pathogenic in the context of EVC2-related Ellis-van Creveld syndrome. This variant is predicted to lead to an abnormal or absent protein product due to the creation of a premature termination codon in EVC2, a gene where loss-of-function variants are known to be pathogenic. Please note: this variant was assessed in the context of healthy population screening.